The following is an entry in ClinVar:

NM_001375567.1(FOCAD):c.3427G>A (p.Val1143Ile)

Gene: FOCAD (focadhesin; plus strand). Cytogenetic location: 9p21.3.
Variant type: single nucleotide variant.
Coding change: c.3427G>A on transcript NM_001375567.1 (MANE Select); coding-DNA position 3427, G replaced by A.
Protein change: p.Val1143Ile; replaces valine 1143 with isoleucine.
Molecular consequence: missense variant.
Genome position (GRCh38, 1-based): chr9:20,944,646, G>A. VCF-style: chr9-20944646-G-A. GRCh37 (hg19) VCF-style: chr9-20944645-G-A.
Other names: c.3322G>A, p.Val1108Ile (NM_001375568.1, NM_001375570.1); c.3427G>A, p.Val1143Ile (NM_017794.5); short protein forms V1143I, V1108I.
Identifiers: ClinVar variation 2904295 (VCV002904295.3), dbSNP rs755036664, ClinGen allele CA5007550.
Genomic context (GRCh38, chr9:20,944,646, plus strand): 5'-TTTCTTATGATCCTAACATCTTATCTTTTTTGGCTTCCAAGCACGGGCTGTATATTGGGA[G>A]TTGGACTTGTTCTGTCCCTCATGAGCCACAGCAGCCAAATGCAGTCCCGCGTTCACGTAG-3'
Protein context (NP_001362496.1, residues 1133-1153): LEYNTGCILG[Val1143Ile]GLVLSLMSHS

ClinVar aggregate classification (germline): Uncertain significance (1 of 4 stars; one submission).

Allele frequency attached by ClinVar (database versions not stated): gnomAD exomes 0.00002; TOPMed 0.00002; gnomAD 0.00003; ExAC 0.00004.
gnomAD v4.1: 27 of 1,613,616 alleles (0.0017%); highest among the groups gnomAD compares: Middle Eastern, 0.033%; no homozygotes.

Submission:

Labcorp Genetics (formerly Invitae), Labcorp
Classification: Uncertain significance. Last evaluated: 2023-12-23. Review status: criteria provided, single submitter. Criteria: Invitae Variant Classification Sherloc (09022015). Collection method: clinical testing. Allele origin: germline.
Comment: This sequence change replaces valine, which is neutral and non-polar, with isoleucine, which is neutral and non-polar, at codon 1143 of the FOCAD protein (p.Val1143Ile). This variant is present in population databases (rs755036664, gnomAD 0.007%). This variant has not been reported in the literature in individuals affected with FOCAD-related conditions. Experimental studies and prediction algorithms are not available or were not evaluated, and the functional significance of this variant is currently unknown. In summary, the available evidence is currently insufficient to determine the role of this variant in disease. Therefore, it has been classified as a Variant of Uncertain Significance.